The following is an entry in ClinVar:

NM_000179.3(MSH6):c.3886A>T (p.Lys1296Ter)

Gene: MSH6 (mutS homolog 6; plus strand). Cytogenetic location: 2p16.3.
Variant type: single nucleotide variant.
Coding change: c.3886A>T on transcript NM_000179.3 (MANE Select); coding-DNA position 3886, A replaced by T.
Protein change: p.Lys1296Ter; replaces lysine 1296 with a stop codon.
Molecular consequence: nonsense. On other transcripts: synonymous variant (1), non-coding transcript variant (5), intron variant (1).
Genome position (GRCh38, 1-based): chr2:47,806,536, A>T. VCF-style: chr2-47806536-A-T. GRCh37 (hg19) VCF-style: chr2-48033675-A-T.
Other names: c.3496A>T, p.Lys1166Ter (NM_001281492.2); c.2980A>T, p.Lys994Ter (NM_001281493.2, NM_001281494.2, NM_001406811.1 and 6 more transcripts); c.3982A>T, p.Lys1328Ter (NM_001406795.1); c.3886A>T, p.Lys1296Ter (NM_001406796.1, NM_001406808.1, NM_001406809.1); c.3589A>T, p.Lys1197Ter (NM_001406797.1, NM_001406801.1, NM_001406805.1 and 10 more transcripts); c.3712A>T, p.Lys1238Ter (NM_001406798.1); c.3361A>T, p.Lys1121Ter (NM_001406799.1, NM_001406806.1, NM_001406807.1); c.3873A>T, p.Leu1291= (NM_001406800.1); and 9 more; short protein forms K1121*, K1240*, K1008*, K1197*, K1270*, K1296*, K774*, K1166*.
Identifiers: ClinVar variation 3913771 (VCV003913771.1).
Genomic context (GRCh38, chr2:47,806,536, plus strand): 5'-GAAGACCCCAGCCAGGAGACTATTACGTTCCTCTATAAATTCATTAAGGGAGCTTGTCCT[A>T]AAAGCTATGGCTTTAATGCAGCAAGGCTTGCTAATCTCCCAGAGGAAGTTATTCAAAAGG-3'

ClinVar aggregate classification (germline): Pathogenic (1 of 4 stars; one submission).

Conditions:
Hereditary cancer-predisposing syndrome. Also called: Hereditary Cancer Syndrome; Hereditary neoplastic syndrome; Neoplastic Syndromes, Hereditary; Tumor predisposition. Identifiers: Orphanet 140162, MedGen C0027672, MeSH D009386, MONDO:0015356.

Submission:

Ambry Genetics
Classification: Pathogenic for Hereditary cancer-predisposing syndrome. Last evaluated: 2025-04-03. Review status: criteria provided, single submitter. Criteria: Ambry Variant Classification Scheme 2023. Collection method: clinical testing. Allele origin: germline.
Comment: The p.K1296* pathogenic mutation (also known as c.3886A>T), located in coding exon 9 of the MSH6 gene, results from an A to T substitution at nucleotide position 3886. This changes the amino acid from a lysine to a stop codon within coding exon 9. This variant is considered to be rare based on population cohorts in the Genome Aggregation Database (gnomAD). This alteration is expected to result in loss of function by premature protein truncation or nonsense-mediated mRNA decay. As such, this alteration is interpreted as a disease-causing mutation.